The following is an entry in ClinVar:

NM_000489.6(ATRX):c.5275C>A (p.His1759Asn)

Gene: ATRX (ATRX chromatin remodeler; minus strand). Cytogenetic location: Xq21.1.
Variant type: single nucleotide variant.
Coding change: c.5275C>A on transcript NM_000489.6 (MANE Select); coding-DNA position 5275, C replaced by A.
Protein change: p.His1759Asn; replaces histidine 1759 with asparagine.
Molecular consequence: missense variant.
Genome position (GRCh38, 1-based): chrX:77,618,979, G>T on the plus strand (C>A on the coding strand, the complement: ATRX is on the minus strand). VCF-style: chrX-77618979-G-T. GRCh37 (hg19) VCF-style: chrX-76874447-G-T.
Other names: c.5161C>A, p.His1721Asn (NM_138270.5); short protein forms H1721N, H1759N.
Identifiers: ClinVar variation 3573532 (VCV003573532.1).

ClinVar aggregate classification (germline): Likely pathogenic (1 of 4 stars; one submission).

Submission:

GeneDx
Classification: Likely pathogenic. Last evaluated: 2024-07-16. Review status: criteria provided, single submitter. Criteria: GeneDx Variant Classification Process June 2021. Collection method: clinical testing. Allele origin: germline. Affected: yes.
Comment: Not observed at significant frequency in large population cohorts (gnomAD); In silico analysis supports that this missense variant has a deleterious effect on protein structure/function; This variant is associated with the following publications: (PMID: 37994132, 18409179)